The following is an entry in ClinVar:

ClinVar aggregate classification (germline): Likely benign (1 of 4 stars; one submission).

Allele frequency attached by ClinVar (database versions not stated): 1000 Genomes Project 0.01338; 1000 Genomes Project 30x 0.01499; gnomAD 0.02715 and 0.02815; TOPMed 0.02888; gnomAD exomes 0.03492.
gnomAD v4.1: 10,581 of 334,074 alleles (3.2%); highest among the groups gnomAD compares: Middle Eastern, 7%; 185 homozygotes.

Submission:

GeneDx
Classification: Likely benign. Last evaluated: 2018-06-16. Review status: criteria provided, single submitter. Criteria: GeneDx Variant Classification (06012015). Collection method: clinical testing. Allele origin: germline. Affected: yes.
Comment: This variant is considered likely benign or benign based on one or more of the following criteria: it is a conservative change, it occurs at a poorly conserved position in the protein, it is predicted to be benign by multiple in silico algorithms, and/or has population frequency not consistent with disease.

NM_001365902.3(NFIX):c.27+113C>T

Gene: NFIX (nuclear factor I X; plus strand). Cytogenetic location: 19p13.13.
Variant type: single nucleotide variant.
Coding change: c.27+113C>T on transcript NM_001365902.3 (MANE Select); 113 bases into the intron after coding-DNA position 27, C replaced by T.
Molecular consequence: intron variant.
Genome position (GRCh38, 1-based): chr19:12,995,977, C>T. VCF-style: chr19-12995977-C-T. GRCh37 (hg19) VCF-style: chr19-13106791-C-T.
Other names: c.27+113C>T (NM_002501.4, NM_001365982.2); c.-28657C>T (NM_001271043.2).
Identifiers: ClinVar variation 677498 (VCV000677498.1), dbSNP rs189556314, ClinGen allele CA305524960.